The following is an entry in ClinVar:

ClinVar aggregate classification (germline): Likely benign. Review status: criteria provided, multiple submitters, no conflicts (2 of 4 stars). 2 submissions from 2 submitters: Likely benign (2). Last evaluated 2025-01-09.

Conditions:
Familial cancer of breast. Also called: BREAST CANCER, FAMILIAL; Hereditary breast cancer; hereditary breast carcinoma. Identifiers: Orphanet 227535, MedGen C0346153, MONDO:0016419, OMIM 114480. Disease mechanism: loss of function.

Submissions (2):

Myriad Genetics, Inc.
Classification: Likely benign for Familial cancer of breast. Last evaluated: 2025-01-09. Review status: criteria provided, single submitter. Criteria: Myriad Autosomal Dominant, Autosomal Recessive and X-Linked Classification Criteria (2023). Collection method: clinical testing. Allele origin: unknown.
Comment: This variant is considered likely benign. This variant is intronic and is not expected to impact mRNA splicing.

Labcorp Genetics (formerly Invitae), Labcorp
Classification: Likely benign for Familial cancer of breast. Last evaluated: 2024-09-14. Review status: criteria provided, single submitter. Criteria: Invitae Variant Classification Sherloc (09022015). Collection method: clinical testing. Allele origin: germline.

NM_024675.4(PALB2):c.49-16G>A

Gene: PALB2 (partner and localizer of BRCA2; minus strand). Cytogenetic location: 16p12.2.
Variant type: single nucleotide variant.
Coding change: c.49-16G>A on transcript NM_024675.4 (MANE Select); 16 bases into the intron before coding-DNA position 49, G replaced by A.
Molecular consequence: intron variant.
Genome position (GRCh38, 1-based): chr16:23,638,145, C>T on the plus strand (G>A on the coding strand, the complement: PALB2 is on the minus strand). VCF-style: chr16-23638145-C-T. GRCh37 (hg19) VCF-style: chr16-23649466-C-T.
Other names: c.-837-16G>A (NM_001407308.1, NM_001407306.1, NM_001407307.1 and 5 more transcripts); c.48+2965G>A (NM_001407314.1); c.-105+2965G>A (NM_001407313.1, NM_001407312.1); c.49-193G>A (NM_001407296.1); c.49-16G>A (NM_001407297.1, NM_001407302.1, NM_001407298.1 and 3 more transcripts).
Identifiers: ClinVar variation 3716961 (VCV003716961.3).